The following is an entry in ClinVar:

ClinVar aggregate classification (germline): Uncertain significance. Review status: criteria provided, multiple submitters, no conflicts (2 of 4 stars). 2 submissions from 2 submitters: Uncertain significance (2). Last evaluated 2026-02-04.

Conditions:
Epilepsy, childhood absence, susceptibility to, 5. Identifiers: Orphanet 64280, MedGen C2677087, MONDO:0012843, OMIM 612269.
Epilepsy, childhood absence, susceptibility to, 1. Also called: Epilepsy, childhood absence 1. Identifiers: Orphanet 64280, MedGen C1838604, MONDO:0020759, OMIM 600131.

Submissions (2):

GeneDx
Classification: Uncertain significance. Last evaluated: 2026-02-04. Review status: criteria provided, single submitter. Criteria: GeneDx Variant Classification Process June 2021. Collection method: clinical testing. Allele origin: germline.
Comment: Not observed at significant frequency in large population cohorts (gnomAD); In silico analysis supports that this missense variant has a deleterious effect on protein structure/function; Has not been previously published as pathogenic or benign to our knowledge

Labcorp Genetics (formerly Invitae), Labcorp
Classification: Uncertain significance for Epilepsy, childhood absence, susceptibility to, 5; Epilepsy, childhood absence, susceptibility to, 1. Last evaluated: 2022-06-24. Review status: criteria provided, single submitter. Criteria: Invitae Variant Classification Sherloc (09022015). Collection method: clinical testing. Allele origin: germline.
Comment: In summary, the available evidence is currently insufficient to determine the role of this variant in disease. Therefore, it has been classified as a Variant of Uncertain Significance. This variant disrupts the p.Tyr182 amino acid residue in GABRB3. Other variant(s) that disrupt this residue have been determined to be pathogenic (PMID: 26704558, 27476654, 31435640). This suggests that this residue is clinically significant, and that variants that disrupt this residue are likely to be disease-causing. Algorithms developed to predict the effect of missense changes on protein structure and function (SIFT, PolyPhen-2, Align-GVGD) all suggest that this variant is likely to be disruptive. This variant has not been reported in the literature in individuals affected with GABRB3-related conditions. This variant is not present in population databases (gnomAD no frequency). This sequence change replaces tyrosine, which is neutral and polar, with histidine, which is basic and polar, at codon 182 of the GABRB3 protein (p.Tyr182His).

Literature cited by the submitters: PubMed 26704558 (cited by Labcorp Genetics (formerly Invitae), Labcorp); PubMed 27476654 (cited by Labcorp Genetics (formerly Invitae), Labcorp); PubMed 31435640 (cited by Labcorp Genetics (formerly Invitae), Labcorp).

NM_000814.6(GABRB3):c.544T>C (p.Tyr182His)

Gene: GABRB3 (gamma-aminobutyric acid type A receptor subunit beta3; minus strand). Cytogenetic location: 15q12.
Variant type: single nucleotide variant.
Coding change: c.544T>C on transcript NM_000814.6 (MANE Select); coding-DNA position 544, T replaced by C.
Protein change: p.Tyr182His; replaces tyrosine 182 with histidine.
Molecular consequence: missense variant.
Genome position (GRCh38, 1-based): chr15:26,583,332, A>G on the plus strand (T>C on the coding strand, the complement: GABRB3 is on the minus strand). VCF-style: chr15-26583332-A-G. GRCh37 (hg19) VCF-style: chr15-26828479-A-G.
Other names: c.289T>C, p.Tyr97His (NM_001191320.2, NM_001278631.2); c.331T>C, p.Tyr111His (NM_001191321.3); c.544T>C, p.Tyr182His (NM_021912.5); c.544T>C (NM_000814.5); short protein forms Y111H, Y97H, Y182H.
Identifiers: ClinVar variation 2010195 (VCV002010195.5), dbSNP rs2504213255, ClinGen allele CA391457961.